The following is an entry in ClinVar:

ClinVar aggregate classification (germline): Uncertain significance. Review status: criteria provided, multiple submitters, no conflicts (2 of 4 stars). 3 submissions from 3 submitters: Uncertain significance (3). Last evaluated 2024-06-11.

Conditions:
Hereditary cancer-predisposing syndrome. Also called: Neoplastic Syndromes, Hereditary; Hereditary Cancer Syndrome; Tumor predisposition; Hereditary neoplastic syndrome. Identifiers: Orphanet 140162, MedGen C0027672, MeSH D009386, MONDO:0015356.
Ataxia-telangiectasia syndrome (AT). Also called: LOUIS-BAR SYNDROME; Cerebello-oculocutaneous telangiectasia; Immunodeficiency with ataxia telangiectasia; Ataxia-telangiectasia, complementation group D; AT, COMPLEMENTATION GROUP C; Ataxia-telangiectasia, complementation group E. Identifiers: Orphanet 100, MedGen C0004135, MONDO:0008840, OMIM 208900.

Allele frequency attached by ClinVar (database versions not stated): gnomAD exomes 0.00001.
gnomAD v4.1: 9 of 1,613,556 alleles (0.00056%); highest among the groups gnomAD compares: Non-Finnish European, 0.00076%; no homozygotes.

Submissions (3):

Labcorp Genetics (formerly Invitae), Labcorp
Classification: Uncertain significance for Ataxia-telangiectasia syndrome. Last evaluated: 2024-06-11. Review status: criteria provided, single submitter. Criteria: Invitae Variant Classification Sherloc (09022015). Collection method: clinical testing. Allele origin: germline.
Comment: This sequence change replaces phenylalanine, which is neutral and non-polar, with leucine, which is neutral and non-polar, at codon 1928 of the ATM protein (p.Phe1928Leu). This variant is not present in population databases (gnomAD no frequency). This variant has not been reported in the literature in individuals affected with ATM-related conditions. ClinVar contains an entry for this variant (Variation ID: 485242). An algorithm developed to predict the effect of missense changes on protein structure and function (PolyPhen-2) suggests that this variant is likely to be tolerated. In summary, the available evidence is currently insufficient to determine the role of this variant in disease. Therefore, it has been classified as a Variant of Uncertain Significance.

Color Diagnostics, LLC DBA Color Health
Classification: Uncertain significance for Hereditary cancer-predisposing syndrome. Last evaluated: 2023-12-05. Review status: criteria provided, single submitter. Criteria: ACMG Guidelines, 2015. Collection method: clinical testing. Allele origin: germline.
Comment: This missense variant replaces phenylalanine with leucine at codon 1928 of the ATM protein. Computational prediction tools and conservation analyses are inconclusive regarding the impact of this variant on the protein function. Computational splicing tools suggest that this variant may not impact RNA splicing. To our knowledge, functional assays have not been performed for this variant nor has this variant been reported in individuals affected with hereditary cancer in the literature. This variant has not been identified in the general population by the Genome Aggregation Database (gnomAD). Available evidence is insufficient to determine the role of this variant in disease conclusively. Therefore, this variant is classified as a Variant of Uncertain Significance.

Ambry Genetics
Classification: Uncertain significance for Hereditary cancer-predisposing syndrome. Last evaluated: 2022-09-19. Review status: criteria provided, single submitter. Criteria: Ambry Variant Classification Scheme 2023. Collection method: clinical testing. Allele origin: germline.
Comment: The p.F1928L variant (also known as c.5784T>A), located in coding exon 38 of the ATM gene, results from a T to A substitution at nucleotide position 5784. The phenylalanine at codon 1928 is replaced by leucine, an amino acid with highly similar properties. This amino acid position is well conserved in available vertebrate species. In addition, this alteration is predicted to be tolerated by in silico analysis. Since supporting evidence is limited at this time, the clinical significance of this alteration remains unclear.

NM_000051.4(ATM):c.5784T>A (p.Phe1928Leu)

Genes: ATM (ATM serine/threonine kinase; plus strand), C11orf65 (chromosome 11 open reading frame 65; minus strand). Cytogenetic location: 11q22.3.
Variant type: single nucleotide variant.
Coding change: c.5784T>A on transcript NM_000051.4 (MANE Select); coding-DNA position 5784, T replaced by A.
Protein change: p.Phe1928Leu; replaces phenylalanine 1928 with leucine.
Molecular consequence: missense variant. On other transcripts: intron variant (2).
Genome position (GRCh38, 1-based): chr11:108,310,181, T>A. VCF-style: chr11-108310181-T-A. GRCh37 (hg19) VCF-style: chr11-108180908-T-A.
Other names: c.5784T>A, p.Phe1928Leu (NM_001351834.2); c.641-1110A>T (NM_001330368.2); c.*39-1110A>T (NM_001351110.2); short protein forms F1928L.
Identifiers: ClinVar variation 485242 (VCV000485242.18), dbSNP rs1290871799, ClinGen allele CA382548313.